The following is an entry in ClinVar:

NM_017619.4(RNPC3):c.1467T>C (p.Tyr489=)

Gene: RNPC3 (RNA binding region (RNP1, RRM) containing 3; plus strand). Cytogenetic location: 1p21.1.
Variant type: single nucleotide variant.
Coding change: c.1467T>C on transcript NM_017619.4 (MANE Select); coding-DNA position 1467, T replaced by C.
Protein change: p.Tyr489=; no amino-acid change (tyrosine 489 retained).
Molecular consequence: synonymous variant.
Genome position (GRCh38, 1-based): chr1:103,551,046, T>C. VCF-style: chr1-103551046-T-C. GRCh37 (hg19) VCF-style: chr1-104093668-T-C.
Identifiers: ClinVar variation 3053646 (VCV003053646.2), dbSNP rs768108955, ClinGen allele CA975775.
Genomic context (GRCh38, chr1:103,551,046, plus strand): 5'-TTTCATTGGACTTCCTAATGAAAAAGCAGCAGCAAAAGCCTTAAAGGAAGCTAATGGATA[T>C]GTGCTTTTTGGAAAACCCATGGTGGTTGTATCCTTTAAATCCATCTATTTCAAAACTATA-3'
Protein context (NP_060089.1, residues 479-499): AAKALKEANG[Tyr489=]VLFGKPMVVQ

ClinVar aggregate classification (germline): Likely benign (0 of 4 stars; one submission).

Conditions:
RNPC3-related disorder. Also called: RNPC3-related condition.

Allele frequency attached by ClinVar (database versions not stated): ExAC 0.00001; gnomAD exomes 0.00001; gnomAD 0.00006; TOPMed 0.00022.

Submission:

PreventionGenetics, part of Exact Sciences
Classification: Likely benign for RNPC3-related condition. Last evaluated: 2019-08-27. Review status: no assertion criteria provided. Collection method: clinical testing. Allele origin: germline.
Comment: This variant is classified as likely benign based on ACMG/AMP sequence variant interpretation guidelines (Richards et al. 2015 PMID: 25741868, with internal and published modifications).